The following is an entry in ClinVar:

NM_004304.5(ALK):c.2785T>G (p.Ser929Ala)

Gene: ALK (ALK receptor tyrosine kinase; minus strand). Cytogenetic location: 2p23.2.
Variant type: single nucleotide variant.
Coding change: c.2785T>G on transcript NM_004304.5 (MANE Select); coding-DNA position 2785, T replaced by G.
Protein change: p.Ser929Ala; replaces serine 929 with alanine.
Molecular consequence: missense variant.
Genome position (GRCh38, 1-based): chr2:29,228,914, A>C on the plus strand (T>G on the coding strand, the complement: ALK is on the minus strand). VCF-style: chr2-29228914-A-C. GRCh37 (hg19) VCF-style: chr2-29451780-A-C.
Other names: c.2785T>G (NM_004304.4); short protein forms S929A.
Identifiers: ClinVar variation 2726353 (VCV002726353.4), dbSNP rs1487034418, ClinGen allele CA346469536.

ClinVar aggregate classification (germline): Uncertain significance. Review status: criteria provided, multiple submitters, no conflicts (2 of 4 stars). 2 submissions from 2 submitters: Uncertain significance (2). Last evaluated 2024-10-29.

Conditions:
Hereditary cancer-predisposing syndrome. Also called: Hereditary neoplastic syndrome; Hereditary Cancer Syndrome; Neoplastic Syndromes, Hereditary; Tumor predisposition. Identifiers: Orphanet 140162, MedGen C0027672, MeSH D009386, MONDO:0015356.
Neuroblastoma, susceptibility to, 3. Also called: ALK-Related Neuroblastic Tumor Susceptibility. Identifiers: Orphanet 635, MedGen C2751681, MONDO:0013083, OMIM 613014.

Submissions (2):

Ambry Genetics
Classification: Uncertain significance for Hereditary cancer-predisposing syndrome. Last evaluated: 2024-10-29. Review status: criteria provided, single submitter. Criteria: Ambry Variant Classification Scheme 2023. Collection method: clinical testing. Allele origin: germline.
Comment: The p.S929A variant (also known as c.2785T>G), located in coding exon 16 of the ALK gene, results from a T to G substitution at nucleotide position 2785. The serine at codon 929 is replaced by alanine, an amino acid with similar properties. This amino acid position is conserved. In addition, this alteration is predicted to be tolerated by in silico analysis. Based on the available evidence, the clinical significance of this variant remains unclear.

Labcorp Genetics (formerly Invitae), Labcorp
Classification: Uncertain significance for Neuroblastoma, susceptibility to, 3. Last evaluated: 2023-11-16. Review status: criteria provided, single submitter. Criteria: Invitae Variant Classification Sherloc (09022015). Collection method: clinical testing. Allele origin: germline.
Comment: This sequence change replaces serine, which is neutral and polar, with alanine, which is neutral and non-polar, at codon 929 of the ALK protein (p.Ser929Ala). This variant is present in population databases (no rsID available, gnomAD 0.003%). This variant has not been reported in the literature in individuals affected with ALK-related conditions. An algorithm developed to predict the effect of missense changes on protein structure and function (PolyPhen-2) suggests that this variant is likely to be disruptive. In summary, the available evidence is currently insufficient to determine the role of this variant in disease. Therefore, it has been classified as a Variant of Uncertain Significance.